The following is an entry in ClinVar:

ClinVar aggregate classification (germline): Likely benign (1 of 4 stars; one submission).

Submission:

CeGaT Center for Human Genetics Tuebingen
Classification: Likely benign. Last evaluated: 2026-05-01. Review status: criteria provided, single submitter. Criteria: CeGaT Center For Human Genetics Tuebingen Variant Classification Criteria Version 2. Collection method: clinical testing. Allele origin: germline. Affected: yes. Observed: 5 variant alleles.
Comment: ASXL3: PM2:Supporting, BP4, BP7

NM_030632.3(ASXL3):c.2661T>A (p.Ser887=)

Gene: ASXL3 (ASXL transcriptional regulator 3; plus strand). Cytogenetic location: 18q12.1.
Variant type: single nucleotide variant.
Coding change: c.2661T>A on transcript NM_030632.3 (MANE Select); coding-DNA position 2661, T replaced by A.
Protein change: p.Ser887=; no amino-acid change (serine 887 retained).
Molecular consequence: synonymous variant.
Genome position (GRCh38, 1-based): chr18:33,740,065, T>A. VCF-style: chr18-33740065-T-A. GRCh37 (hg19) VCF-style: chr18-31320029-T-A.
Identifiers: ClinVar variation 4681560 (VCV004681560.5).
Genomic context (GRCh38, chr18:33,740,065, plus strand): 5'-CGTCCTGCAAAGAACAGAAAAAAAAGTGTTACCTTCACCATTGGAATTATCTGTCTTTTC[T>A]GAAGGGACAGATAATAAGGGAAATGAGCTTCCATCTGCTAAATTACAGGACAAGCAATAT-3'
Protein context (NP_085135.1, residues 877-897): LPSPLELSVF[Ser887=]EGTDNKGNEL